The following is an entry in ClinVar:

ClinVar aggregate classification (germline): Benign/Likely benign. Review status: criteria provided, multiple submitters, no conflicts (2 of 4 stars). 4 submissions from 4 submitters: Benign (1); Likely benign (3). Last evaluated 2026-01-02.

Conditions:
Hereditary cancer-predisposing syndrome. Also called: Hereditary Cancer Syndrome; Neoplastic Syndromes, Hereditary; Tumor predisposition; Hereditary neoplastic syndrome. Identifiers: Orphanet 140162, MedGen C0027672, MeSH D009386, MONDO:0015356.
Fanconi anemia complementation group J. Also called: BRIP1-Related Fanconi Anemia. Identifiers: Orphanet 84, MedGen C1836860, MONDO:0012187, OMIM 609054.
Familial cancer of breast. Also called: Hereditary breast cancer; hereditary breast carcinoma; BREAST CANCER, FAMILIAL. Identifiers: Orphanet 227535, MedGen C0346153, MONDO:0016419, OMIM 114480. Disease mechanism: loss of function.

Allele frequency attached by ClinVar (database versions not stated): gnomAD exomes below 0.00001 and 0.00001; ExAC 0.00001.
gnomAD v4.1: 4 of 1,614,062 alleles (0.00025%); highest among the groups gnomAD compares: Admixed American, 0.0033%; no homozygotes.

Submissions (4):

Labcorp Genetics (formerly Invitae), Labcorp
Classification: Likely benign for Familial cancer of breast; Fanconi anemia complementation group J. Last evaluated: 2026-01-02. Review status: criteria provided, single submitter. Criteria: Invitae Variant Classification Sherloc (09022015). Collection method: clinical testing. Allele origin: germline.

Myriad Genetics, Inc.
Classification: Benign for Familial cancer of breast. Last evaluated: 2024-08-23. Review status: criteria provided, single submitter. Criteria: Myriad Autosomal Dominant, Autosomal Recessive and X-Linked Classification Criteria (2023). Collection method: clinical testing. Allele origin: unknown.
Comment: This variant is considered benign. This variant is a silent/synonymous amino acid change and it is not expected to impact splicing.

Quest Diagnostics Nichols Institute San Juan Capistrano
Classification: Likely benign. Last evaluated: 2023-06-30. Review status: criteria provided, single submitter. Criteria: Quest Diagnostics criteria. Collection method: clinical testing. Allele origin: unknown.

Ambry Genetics
Classification: Likely benign for Hereditary cancer-predisposing syndrome. Last evaluated: 2015-06-02. Review status: criteria provided, single submitter. Criteria: Ambry Variant Classification Scheme 2023. Collection method: clinical testing. Allele origin: germline.

NM_032043.3(BRIP1):c.1074A>C (p.Leu358=)

Gene: BRIP1 (BRCA1 interacting DNA helicase 1; minus strand). Cytogenetic location: 17q23.2.
Variant type: single nucleotide variant.
Coding change: c.1074A>C on transcript NM_032043.3 (MANE Select); coding-DNA position 1074, A replaced by C.
Protein change: p.Leu358=; no amino-acid change (leucine 358 retained).
Molecular consequence: synonymous variant.
Genome position (GRCh38, 1-based): chr17:61,801,319, T>G on the plus strand (A>C on the coding strand, the complement: BRIP1 is on the minus strand). VCF-style: chr17-61801319-T-G. GRCh37 (hg19) VCF-style: chr17-59878680-T-G.
Identifiers: ClinVar variation 232152 (VCV000232152.17), dbSNP rs771682192, ClinGen allele CA8690806.